The following is an entry in ClinVar:

NM_000213.5(ITGB4):c.953A>T (p.Asn318Ile)

Gene: ITGB4 (integrin subunit beta 4; plus strand). Cytogenetic location: 17q25.1.
Variant type: single nucleotide variant.
Coding change: c.953A>T on transcript NM_000213.5 (MANE Select); coding-DNA position 953, A replaced by T.
Protein change: p.Asn318Ile; replaces asparagine 318 with isoleucine.
Molecular consequence: missense variant.
Genome position (GRCh38, 1-based): chr17:75,730,455, A>T. VCF-style: chr17-75730455-A-T. GRCh37 (hg19) VCF-style: chr17-73726536-A-T.
Other names: c.953A>T, p.Asn318Ile (NM_001005619.2, NM_001005731.3, NM_001321123.2); short protein forms N318I.
Identifiers: ClinVar variation 973872 (VCV000973872.1), dbSNP rs1454995069, ClinGen allele CA401042962.
Genomic context (GRCh38, chr17:75,730,455, plus strand): 5'-AGTACAGGACACAGGACTACCCGTCGGTGCCCACCCTGGTGCGCCTGCTCGCCAAGCACA[A>T]CATCATCCCCATCTTTGCTGTCACCAACTACTCCTATAGCTACTACGAGGTGCGGGGCCC-3'
Protein context (NP_000204.3, residues 308-328): PTLVRLLAKH[Asn318Ile]IIPIFAVTNY

ClinVar aggregate classification (germline): Uncertain significance (1 of 4 stars; one submission).

Conditions:
Junctional epidermolysis bullosa with pyloric atresia. Also called: Junctional Epidermolysis Bullosa- Pyloric Atresia Syndrome; APLASIA CUTIS CONGENITA WITH GASTROINTESTINAL ATRESIA; CARMI SYNDROME; Epidermolysis bullosa, junctional, with pyloric atresia and aplasia cutis congenita; Epidermolysis bullosa junctionalis with pyloric atresia; EB-PA-ACC. Identifiers: Orphanet 79403, MedGen C5676875, MONDO:0009183, OMIM 226730.

Allele frequency attached by ClinVar (database versions not stated): gnomAD exomes below 0.00001 and 0.00001.
gnomAD v4.1: 17 of 1,614,052 alleles (0.0011%); highest among the groups gnomAD compares: Non-Finnish European, 0.0014%; no homozygotes.

Submission:

Johns Hopkins Genomics, Johns Hopkins University
Classification: Uncertain significance for Junctional epidermolysis bullosa with pyloric atresia. Last evaluated: 2020-03-12. Review status: criteria provided, single submitter. Criteria: ACMG Guidelines, 2015. Collection method: clinical testing. Allele origin: germline.
Comment: ITGB4 c.953A>T (rs1454995069) is rare (<0.1%) in a large population dataset (gnomAD: 1/251176 total alleles; 0.0004%; no homozygotes) and has not been reported in the literature, to our knowledge. Three bioinformatics tools queried predict that this substitution would be deleterious. Bioinformatic analysis predicts that this variant would not affect normal exon 8 splicing, although this has not been confirmed experimentally to our knowledge. The asparagine residue at this position is evolutionarily conserved across all species assessed and conserved across other beta chains in humans. This substitution occurs in the extracellular VWFa domain of the integrin ?4 subunit (positions 131-329) where different missense variants causing JEB-PA cluster. Due to insufficient evidence that this variant is deleterious, we consider the clinical significance of c.953A>T to be uncertain at this time.

Literature cited by the submitters: PubMed 11328943; PubMed 18955862; PubMed 20301304; PubMed 23496044; PubMed 9792864; PubMed 9892956.